The following is an entry in ClinVar:

NM_006231.4(POLE):c.1132G>A (p.Val378Ile)

Gene: POLE (DNA polymerase epsilon, catalytic subunit; minus strand). Cytogenetic location: 12q24.33.
Variant type: single nucleotide variant.
Coding change: c.1132G>A on transcript NM_006231.4 (MANE Select); coding-DNA position 1132, G replaced by A.
Protein change: p.Val378Ile; replaces valine 378 with isoleucine.
Molecular consequence: missense variant.
Genome position (GRCh38, 1-based): chr12:132,675,492, C>T on the plus strand (G>A on the coding strand, the complement: POLE is on the minus strand). VCF-style: chr12-132675492-C-T. GRCh37 (hg19) VCF-style: chr12-133252078-C-T.
Other names: c.1132G>A (NM_006231.2); short protein forms V378I.
Identifiers: ClinVar variation 3647536 (VCV003647536.3).
Genomic context (GRCh38, chr12:132,675,492, plus strand): 5'-TGTACTCCCCCTGGCTGTCCTTCTGGAAGCCTATCTCCTGCTGCATGCTCAGACCGTGGA[C>T]TGCTGCCCGGGCCTCCACAAATGGCCTGGGTTGGAAAGAGGACAGACAAGCAAGTGGGCA-3'
Protein context (NP_006222.2, residues 368-388): DWPFVEARAA[Val378Ile]HGLSMQQEIG

ClinVar aggregate classification (germline): Uncertain significance. Review status: criteria provided, multiple submitters, no conflicts (2 of 4 stars). 2 submissions from 2 submitters: Uncertain significance (2). Last evaluated 2025-09-14.

Conditions:
Hereditary cancer-predisposing syndrome. Also called: Neoplastic Syndromes, Hereditary; Tumor predisposition; Hereditary neoplastic syndrome; Hereditary Cancer Syndrome. Identifiers: Orphanet 140162, MedGen C0027672, MeSH D009386, MONDO:0015356.

gnomAD v4.1: 1 of 1,614,182 alleles (0.000062%); highest among the groups gnomAD compares: Admixed American, 0.0017%; no homozygotes.

Submissions (2):

Ambry Genetics
Classification: Uncertain significance for Hereditary cancer-predisposing syndrome. Last evaluated: 2025-09-14. Review status: criteria provided, single submitter. Criteria: Ambry Variant Classification Scheme 2023. Collection method: clinical testing. Allele origin: germline.
Comment: The p.V378I variant (also known as c.1132G>A), located in coding exon 12 of the POLE gene, results from a G to A substitution at nucleotide position 1132. The valine at codon 378 is replaced by isoleucine, an amino acid with highly similar properties. This amino acid position is conserved. In addition, this alteration is predicted to be tolerated by in silico analysis. Based on the available evidence, the clinical significance of this variant remains unclear.

Labcorp Genetics (formerly Invitae), Labcorp
Classification: Uncertain significance. Last evaluated: 2024-03-25. Review status: criteria provided, single submitter. Criteria: Invitae Variant Classification Sherloc (09022015). Collection method: clinical testing. Allele origin: germline.
Comment: This sequence change replaces valine, which is neutral and non-polar, with isoleucine, which is neutral and non-polar, at codon 378 of the POLE protein (p.Val378Ile). This variant is present in population databases (no rsID available, gnomAD 0.003%). This variant has not been reported in the literature in individuals affected with POLE-related conditions. Advanced modeling of protein sequence and biophysical properties (such as structural, functional, and spatial information, amino acid conservation, physicochemical variation, residue mobility, and thermodynamic stability) performed at Invitae indicates that this missense variant is not expected to disrupt POLE protein function with a negative predictive value of 80%. In summary, the available evidence is currently insufficient to determine the role of this variant in disease. Therefore, it has been classified as a Variant of Uncertain Significance.